The following is an entry in ClinVar:

NM_006237.4(POU4F1):c.402_428del (p.Gly135_Ala143del)

Genes: OBI1-AS1 (OBI1 antisense RNA 1; plus strand), POU4F1 (POU class 4 homeobox 1; minus strand). Cytogenetic location: 13q31.1.
Variant type: Deletion.
Coding change: c.402_428del on transcript NM_006237.4 (MANE Select); coding-DNA positions 402 to 428, 27 bases deleted (GGGCGCGGCGGCCGGCGGCGGCGGCGC).
Protein change: p.Gly135_Ala143del.
Molecular consequence: inframe deletion.
Genome position (GRCh38, 1-based): chr13:78,602,247-78,602,273, GCGCCGCCGCCGCCGGCCGCCGCGCCC deleted on the plus strand (GGGCGCGGCGGCCGGCGGCGGCGGCGC on the coding strand, the reverse complement: POU4F1 is on the minus strand); deleting any 27 consecutive bases within chr13:78,602,247-78,602,281 gives the same sequence; the c. name uses the placement nearest the transcript's 3' end. VCF-style (leftmost placement, unchanged base first): chr13-78602246-GGCGCCGCCGCCGCCGGCCGCCGCGCCC-G. GRCh37 (hg19) VCF-style: chr13-79176381-GGCGCCGCCGCCGCCGGCCGCCGCGCCC-G.
Identifiers: ClinVar variation 2672547 (VCV002672547.23), dbSNP rs1256841137, ClinGen allele CA611398948.

ClinVar aggregate classification (germline): Uncertain significance (1 of 4 stars; one submission).

Submission:

CeGaT Center for Human Genetics Tuebingen
Classification: Uncertain significance. Last evaluated: 2023-11-01. Review status: criteria provided, single submitter. Criteria: CeGaT Center For Human Genetics Tuebingen Variant Classification Criteria Version 2. Collection method: clinical testing. Allele origin: germline. Affected: yes. Observed: 1 variant allele.
Comment: POU4F1: PM4